The following is an entry in ClinVar:

ClinVar aggregate classification (germline): Likely benign. Review status: criteria provided, multiple submitters, no conflicts (2 of 4 stars). 3 submissions from 3 submitters: Likely benign (3). Last evaluated 2026-05-30.

Conditions:
PCDH15-related disorder. Also called: PCDH15-related condition; PCDH15-related disorders.

Allele frequency attached by ClinVar (database versions not stated): gnomAD 0.00001; gnomAD exomes 0.00001 and 0.00005; TOPMed 0.00001.
gnomAD v4.1: 65 of 1,613,102 alleles (0.004%); highest among the groups gnomAD compares: Non-Finnish European, 0.0055%; no homozygotes.

Submissions (3):

PreventionGenetics, part of Exact Sciences
Classification: Likely benign for PCDH15-related condition. Last evaluated: 2026-05-30. Review status: criteria provided, single submitter. Criteria: ACMG Guidelines, 2015. Collection method: clinical testing. Allele origin: germline.
Comment: This variant is classified as likely benign based on ACMG/AMP sequence variant interpretation guidelines (Richards et al. 2015 PMID: 25741868, with internal and published modifications).

Labcorp Genetics (formerly Invitae), Labcorp
Classification: Likely benign. Last evaluated: 2023-12-30. Review status: criteria provided, single submitter. Criteria: Invitae Variant Classification Sherloc (09022015). Collection method: clinical testing. Allele origin: germline.

Laboratory for Molecular Medicine, Mass General Brigham Personalized Medicine
Classification: Likely benign. Last evaluated: 2015-06-23. Review status: criteria provided, single submitter. Criteria: LMM Criteria. Collection method: clinical testing. Allele origin: germline. Observed: 1 variant allele.
Comment: p.Phe1148Phe in exon 26 of PCDH15: This variant is not expected to have clinical significance because it does not alter an amino acid residue and is not located within the splice consensus sequence.

NM_001384140.1(PCDH15):c.3444C>T (p.Phe1148=)

Gene: PCDH15 (protocadherin related 15; minus strand). Cytogenetic location: 10q21.1.
Variant type: single nucleotide variant.
Coding change: c.3444C>T on transcript NM_001384140.1 (MANE Select); coding-DNA position 3444, C replaced by T.
Protein change: p.Phe1148=; no amino-acid change (phenylalanine 1148 retained).
Molecular consequence: synonymous variant.
Genome position (GRCh38, 1-based): chr10:53,903,300, G>A on the plus strand (C>T on the coding strand, the complement: PCDH15 is on the minus strand). VCF-style: chr10-53903300-G-A. GRCh37 (hg19) VCF-style: chr10-55663060-G-A.
Other names: c.3459C>T, p.Phe1153= (NM_001142763.2, NM_001142771.2); c.3444C>T, p.Phe1148= (NM_001142764.2, NM_001142766.2, NM_001142770.3 and 4 more transcripts); c.3231C>T, p.Phe1077= (NM_001142765.2); c.3333C>T, p.Phe1111= (NM_001142767.2); c.3378C>T, p.Phe1126= (NM_001142768.2, NM_001142773.2, NM_001354404.2); c.3480C>T, p.Phe1160= (NM_001142769.4); c.3465C>T, p.Phe1155= (NM_001354411.2).
Identifiers: ClinVar variation 227839 (VCV000227839.14), dbSNP rs876657562, ClinGen allele CA10576792.